The following is an entry in ClinVar:

NM_001206979.2(NR1H4):c.80-7366G>T

Gene: NR1H4 (nuclear receptor subfamily 1 group H member 4; plus strand). Cytogenetic location: 12q23.1.
Variant type: single nucleotide variant.
Coding change: c.80-7366G>T on transcript NM_001206979.2 (MANE Select); 7366 bases into the intron before coding-DNA position 80, G replaced by T.
Molecular consequence: intron variant. On other transcripts: nonsense (2).
Genome position (GRCh38, 1-based): chr12:100,503,412, G>T. VCF-style: chr12-100503412-G-T. GRCh37 (hg19) VCF-style: chr12-100897190-G-T.
Other names: c.25G>T, p.Glu9Ter (NM_001206992.2, NM_001206993.2); c.80-7366G>T (NM_001206977.2, NM_005123.4, NM_001206978.2); short protein forms E9*.
Identifiers: ClinVar variation 3351683 (VCV003351683.1).

ClinVar aggregate classification (germline): Uncertain significance (0 of 4 stars; one submission).

Conditions:
NR1H4-related disorder. Also called: NR1H4-related condition.

gnomAD v4.1: 61 of 1,597,478 alleles (0.0038%); highest among the groups gnomAD compares: Non-Finnish European, 0.0048%; no homozygotes.

Submission:

PreventionGenetics, part of Exact Sciences
Classification: Uncertain significance for NR1H4-related condition. Last evaluated: 2024-09-23. Review status: no assertion criteria provided. Collection method: clinical testing. Allele origin: germline.
Comment: The NR1H4 c.25G>T variant is predicted to result in premature protein termination (p.Glu9*). In an alternate transcript (NM_005123.3), this variant is found within an intronic region (c.80-7366G>T). To our knowledge, this variant has not been reported in the literature. This variant is reported in 0.0066% of alleles in individuals of European (Non-Finnish) descent in gnomAD. At this time, the clinical significance of this variant is uncertain due to the absence of conclusive functional and genetic evidence.